The following is an entry in ClinVar:

ClinVar aggregate classification (germline): Likely pathogenic (1 of 4 stars; one submission).

Submission:

GeneDx
Classification: Likely pathogenic. Last evaluated: 2023-07-17. Review status: criteria provided, single submitter. Criteria: GeneDx Variant Classification Process June 2021. Collection method: clinical testing. Allele origin: germline. Affected: yes.
Comment: Intronic variant directly or indirectly altering the +5 splice site in a gene for which loss of function is a known mechanism of disease, and splice predictors support a deleterious effect; Not observed at significant frequency in large population cohorts (gnomAD); Has not been previously published as pathogenic or benign to our knowledge

NM_006545.5(NPRL2):c.170+5G>A

Gene: NPRL2 (NPR2 like, GATOR1 complex subunit; minus strand). Cytogenetic location: 3p21.31.
Variant type: single nucleotide variant.
Coding change: c.170+5G>A on transcript NM_006545.5 (MANE Select); 5 bases into the intron after coding-DNA position 170, G replaced by A.
Molecular consequence: intron variant.
Genome position (GRCh38, 1-based): chr3:50,349,926, C>T on the plus strand (G>A on the coding strand, the complement: NPRL2 is on the minus strand). VCF-style: chr3-50349926-C-T. GRCh37 (hg19) VCF-style: chr3-50387357-C-T.
Identifiers: ClinVar variation 1304321 (VCV001304321.3), dbSNP rs2109368360, ClinGen allele CA2573052213.